The following is an entry in ClinVar:

NM_153026.3(PRICKLE1):c.385-119A>C

Gene: PRICKLE1 (prickle planar cell polarity protein 1; minus strand). Cytogenetic location: 12q12.
Variant type: single nucleotide variant.
Coding change: c.385-119A>C on transcript NM_153026.3 (MANE Select); 119 bases into the intron before coding-DNA position 385, A replaced by C.
Molecular consequence: intron variant.
Genome position (GRCh38, 1-based): chr12:42,468,948, T>G on the plus strand (A>C on the coding strand, the complement: PRICKLE1 is on the minus strand). VCF-style: chr12-42468948-T-G. GRCh37 (hg19) VCF-style: chr12-42862750-T-G.
Other names: c.385-119A>C (NM_001144883.2, NM_001144882.2, NM_001144881.2).
Identifiers: ClinVar variation 674935 (VCV000674935.2), dbSNP rs2708062, ClinGen allele CA235493803.

ClinVar aggregate classification (germline): Benign. Review status: criteria provided, multiple submitters, no conflicts (2 of 4 stars). 2 submissions from 2 submitters: Benign (2). Last evaluated 2018-06-14.

Allele frequency attached by ClinVar (database versions not stated): TOPMed 0.95914; gnomAD 0.96174 and 0.96444; 1000 Genomes Project 30x 0.96190; 1000 Genomes Project 0.96386; gnomAD exomes 0.99612.
gnomAD v4.1: 967,182 of 975,908 alleles (99%); highest among the groups gnomAD compares: East Asian, 100%; 479,757 homozygotes.

Submissions (2):

GeneDx
Classification: Benign. Last evaluated: 2018-06-14. Review status: criteria provided, single submitter. Criteria: GeneDx Variant Classification (06012015). Collection method: clinical testing. Allele origin: germline. Affected: yes.
Comment: This variant is considered likely benign or benign based on one or more of the following criteria: it is a conservative change, it occurs at a poorly conserved position in the protein, it is predicted to be benign by multiple in silico algorithms, and/or has population frequency not consistent with disease.

Breakthrough Genomics
Classification: Benign. Review status: criteria provided, single submitter. Criteria: ACMG Guidelines, 2015. Collection method: not provided. Allele origin: germline. Inheritance: Autosomal recessive inheritance. Affected: yes.